The following is an entry in ClinVar:

ClinVar aggregate classification (germline): Uncertain significance (1 of 4 stars; one submission).

Conditions:
Cardiovascular phenotype. Identifiers: MedGen CN230736.

Allele frequency attached by ClinVar (database versions not stated): gnomAD 0.00001; gnomAD exomes 0.00001; TOPMed below 0.00001.
gnomAD v4.1: 16 of 1,535,632 alleles (0.001%); highest among the groups gnomAD compares: Admixed American, 0.002%; no homozygotes.

Submission:

Ambry Genetics
Classification: Uncertain significance for Cardiovascular phenotype. Last evaluated: 2025-05-18. Review status: criteria provided, single submitter. Criteria: Ambry Variant Classification Scheme 2023. Collection method: clinical testing. Allele origin: germline.
Comment: The p.P1135L variant (also known as c.3404C>T), located in coding exon 2 of the ZNF469 gene, results from a C to T substitution at nucleotide position 3404. The proline at codon 1135 is replaced by leucine, an amino acid with similar properties. This amino acid position is conserved. In addition, this alteration is predicted to be tolerated by in silico analysis. Since supporting evidence is limited at this time, the clinical significance of this alteration remains unclear.

NM_001367624.2(ZNF469):c.3488C>T (p.Pro1163Leu)

Gene: ZNF469 (zinc finger protein 469; plus strand). Cytogenetic location: 16q24.2.
Variant type: single nucleotide variant.
Coding change: c.3488C>T on transcript NM_001367624.2 (MANE Select); coding-DNA position 3488, C replaced by T.
Protein change: p.Pro1163Leu; replaces proline 1163 with leucine.
Molecular consequence: missense variant.
Genome position (GRCh38, 1-based): chr16:88,430,958, C>T. VCF-style: chr16-88430958-C-T. GRCh37 (hg19) VCF-style: chr16-88497366-C-T.
Other names: NM_001127464.1:c.3404C>T; short protein forms P1163L.
Identifiers: ClinVar variation 1731105 (VCV001731105.3), dbSNP rs1255735742, ClinGen allele CA397084616.
Genomic context (GRCh38, chr16:88,430,958, plus strand): 5'-GGCAGGAAGCCGGCGGGGACGGAGCCCCCGCGAACCCCGAGGAGCCGGGCGGGTCTCGCC[C>T]GGGCCCCGGCAGGAGCCCTCAGGCCCGTGGCCCGTCTCGAAGCCTGGAGACGGGAGCGGC-3'
Protein context (NP_001354553.1, residues 1153-1173): ANPEEPGGSR[Pro1163Leu]GPGRSPQARG